The following is an entry in ClinVar:

ClinVar aggregate classification (germline): Uncertain significance (1 of 4 stars; one submission).

Allele frequency attached by ClinVar (database versions not stated): gnomAD exomes 0.00001.
gnomAD v4.1: 8 of 1,543,374 alleles (0.00052%); highest among the groups gnomAD compares: Non-Finnish European, 0.0007%; no homozygotes.

Submission:

Labcorp Genetics (formerly Invitae), Labcorp
Classification: Uncertain significance. Last evaluated: 2022-06-08. Review status: criteria provided, single submitter. Criteria: Invitae Variant Classification Sherloc (09022015). Collection method: clinical testing. Allele origin: germline.
Comment: This sequence change replaces glycine, which is neutral and non-polar, with serine, which is neutral and polar, at codon 913 of the TUBGCP6 protein (p.Gly913Ser). This variant is not present in population databases (gnomAD no frequency). This variant has not been reported in the literature in individuals affected with TUBGCP6-related conditions. Algorithms developed to predict the effect of missense changes on protein structure and function output the following: SIFT: "Tolerated"; PolyPhen-2: "Benign"; Align-GVGD: "Class C0". The serine amino acid residue is found in multiple mammalian species, which suggests that this missense change does not adversely affect protein function. In summary, the available evidence is currently insufficient to determine the role of this variant in disease. Therefore, it has been classified as a Variant of Uncertain Significance.

NM_020461.4(TUBGCP6):c.2737G>A (p.Gly913Ser)

Gene: TUBGCP6 (tubulin gamma complex component 6; minus strand). Cytogenetic location: 22q13.33.
Variant type: single nucleotide variant.
Coding change: c.2737G>A on transcript NM_020461.4 (MANE Select); coding-DNA position 2737, G replaced by A.
Protein change: p.Gly913Ser; replaces glycine 913 with serine.
Molecular consequence: missense variant.
Genome position (GRCh38, 1-based): chr22:50,221,622, C>T on the plus strand (G>A on the coding strand, the complement: TUBGCP6 is on the minus strand). VCF-style: chr22-50221622-C-T. GRCh37 (hg19) VCF-style: chr22-50660051-C-T.
Other names: short protein forms G913S.
Identifiers: ClinVar variation 2003434 (VCV002003434.1), dbSNP rs1395204921, ClinGen allele CA412187128.